The following is an entry in ClinVar:

NM_002907.4(RECQL):c.363_364del (p.Cys122fs)

Gene: RECQL (RecQ like helicase; minus strand). Cytogenetic location: 12p12.1.
Variant type: Deletion.
Coding change: c.363_364del on transcript NM_002907.4 (MANE Select); coding-DNA positions 363 to 364, 2 bases deleted (AT; older notation c.363_364delAT).
Protein change: p.Cys122fs; shifts the reading frame from cysteine 122.
Molecular consequence: frameshift variant.
Genome position (GRCh38, 1-based): chr12:21,490,229-21,490,230, AT deleted on the plus strand (AT on the coding strand, the reverse complement: RECQL is on the minus strand); deleting any 2 consecutive bases within chr12:21,490,229-21,490,231 gives the same sequence; the c. name uses the placement nearest the transcript's 3' end. VCF-style (leftmost placement, unchanged base first): chr12-21490228-CAT-C. GRCh37 (hg19) VCF-style: chr12-21643162-CAT-C.
Other names: c.363_364del, p.Cys122fs (NM_032941.3); short protein forms C122fs.
Identifiers: ClinVar variation 2565558 (VCV002565558.2), dbSNP rs2540399286, ClinGen allele CA2575097783.

ClinVar aggregate classification (germline): Uncertain significance (1 of 4 stars; one submission).

Submission:

Ambry Genetics
Classification: Uncertain significance. Last evaluated: 2023-03-28. Review status: criteria provided, single submitter. Criteria: Ambry Variant Classification Scheme 2023. Collection method: clinical testing. Allele origin: germline.
Comment: The c.363_364delAT variant, located in coding exon 3 of the RECQL gene, results from a deletion of two nucleotides at nucleotide positions 363 to 364, causing a translational frameshift with a predicted alternate stop codon (p.C122Lfs*43). This alteration is expected to result in loss of function by premature protein truncation or nonsense-mediated mRNA decay. The evidence for this gene-disease relationship is limited; therefore, the clinical significance of this alteration is unclear.

Literature cited by the submitters: PubMed 32957588.